The following is an entry in ClinVar:

ClinVar aggregate classification (germline): Conflicting classifications of pathogenicity. Review status: criteria provided, conflicting classifications (1 of 4 stars). 2 submissions from 2 submitters: Uncertain significance (1); Likely benign (1). Last evaluated 2018-05-25.

Submissions (2):

GeneDx
Classification: Likely benign. Last evaluated: 2018-05-25. Review status: criteria provided, single submitter. Criteria: GeneDx Variant Classification (06012015). Collection method: clinical testing. Allele origin: germline. Affected: yes.
Comment: This variant is considered likely benign or benign based on one or more of the following criteria: it is a conservative change, it occurs at a poorly conserved position in the protein, it is predicted to be benign by multiple in silico algorithms, and/or has population frequency not consistent with disease.

Eurofins Ntd Llc (ga)
Classification: Uncertain significance. Last evaluated: 2016-08-31. Review status: criteria provided, single submitter. Criteria: EGL Classification Definitions 2015. Collection method: clinical testing. Allele origin: germline. Observed: 1 variant allele, 1 heterozygote.

NM_001267550.2(TTN):c.16964T>C (p.Met5655Thr)

Genes: TTN (titin; minus strand), LOC126806431 (CDK7 strongly-dependent group 2 enhancer GRCh37_chr2:179595719-179596918; plus strand). Cytogenetic location: 2q31.2.
Variant type: single nucleotide variant.
Coding change: c.16964T>C on transcript NM_001267550.2 (MANE Select); coding-DNA position 16964, T replaced by C.
Protein change: p.Met5655Thr; replaces methionine 5655 with threonine.
Molecular consequence: missense variant. On other transcripts: intron variant (3).
Genome position (GRCh38, 1-based): chr2:178,731,911, A>G on the plus strand (T>C on the coding strand, the complement: TTN is on the minus strand). VCF-style: chr2-178731911-A-G. GRCh37 (hg19) VCF-style: chr2-179596638-A-G.
Other names: c.16013T>C, p.Met5338Thr (NM_001256850.1); c.13232T>C, p.Met4411Thr (NM_133378.4); c.13282+6171T>C (NM_003319.4); c.13858+6171T>C (NM_133437.4); c.13657+6171T>C (NM_133432.3); short protein forms M4411T, M5655T, M5338T.
Identifiers: ClinVar variation 289918 (VCV000289918.7), dbSNP rs886044306, ClinGen allele CA10606596.
Genomic context (GRCh38, chr2:178,731,911, plus strand): 5'-GTGTTATCTTTGAACCAAGTGATCTCAAAGGGAGGAGTGCCTGCCACCTCAGCCAGCAAC[A>G]TGACATCGTACTCCTTTAAGACTTCAATTGGCTTAAATTCCTTGGTAAAATAAGGTGACT-3'
Protein context (NP_001254479.2, residues 5645-5665): PIEVLKEYDV[Met5655Thr]LLAEVAGTPP